The following is an entry in ClinVar:

NM_001048166.1(STIL):c.152+120T>G

Gene: STIL (STIL centriolar assembly protein; minus strand). Cytogenetic location: 1p33.
Variant type: single nucleotide variant.
Coding change: c.152+120T>G on transcript NM_001048166.1 (MANE Select); 120 bases into the intron after coding-DNA position 152, T replaced by G.
Molecular consequence: intron variant.
Genome position (GRCh38, 1-based): chr1:47,304,769, A>C on the plus strand (T>G on the coding strand, the complement: STIL is on the minus strand). VCF-style: chr1-47304769-A-C. GRCh37 (hg19) VCF-style: chr1-47770441-A-C.
Other names: c.152+120T>G (NM_003035.2, NM_001282939.1, NM_001282938.1 and 2 more transcripts).
Identifiers: ClinVar variation 670580 (VCV000670580.2), dbSNP rs3122615, ClinGen allele CA15078311.

ClinVar aggregate classification (germline): Benign. Review status: criteria provided, multiple submitters, no conflicts (2 of 4 stars). 2 submissions from 2 submitters: Benign (2). Last evaluated 2018-06-16.

Allele frequency attached by ClinVar (database versions not stated): gnomAD exomes 0.49241; gnomAD 0.56177; TOPMed 0.60469; 1000 Genomes Project 0.60663; 1000 Genomes Project 30x 0.61665.
gnomAD v4.1: 410,784 of 808,412 alleles (51%); highest among the groups gnomAD compares: African/African-American, 83%; 109,210 homozygotes.

Submissions (2):

GeneDx
Classification: Benign. Last evaluated: 2018-06-16. Review status: criteria provided, single submitter. Criteria: GeneDx Variant Classification (06012015). Collection method: clinical testing. Allele origin: germline. Affected: yes.
Comment: This variant is considered likely benign or benign based on one or more of the following criteria: it is a conservative change, it occurs at a poorly conserved position in the protein, it is predicted to be benign by multiple in silico algorithms, and/or has population frequency not consistent with disease.

Breakthrough Genomics
Classification: Benign. Review status: criteria provided, single submitter. Criteria: ACMG Guidelines, 2015. Collection method: not provided. Allele origin: germline. Inheritance: Autosomal recessive inheritance. Affected: yes.